The following is an entry in ClinVar:

NM_000264.5(PTCH1):c.-9_-1dup (p.Met1_Ala2insGlyGlyAsn)

Genes: PTCH1 (patched 1; minus strand), LOC130002133 (ATAC-STARR-seq lymphoblastoid silent region 20071; plus strand). Cytogenetic location: 9q22.32.
Variant type: Duplication.
Coding change: c.-9_-1dup on transcript NM_000264.5 (MANE Select); 9 bases upstream of the start codon through 1 bases upstream of the start codon, 9 bases duplicated (GGCGGCAAC; older notation c.-9_-1dupGGCGGCAAC).
Protein change: p.Met1_Ala2insGlyGlyAsn.
Molecular consequence: inframe insertion. On other transcripts: non-coding transcript variant (1), intron variant (3).
Genome position (GRCh38, 1-based): chr9:95,508,362-95,508,370, GTTGCCGCC duplicated on the plus strand (GGCGGCAAC on the coding strand, the reverse complement: PTCH1 is on the minus strand); duplicating any 9 consecutive bases within chr9:95,508,362-95,508,371 gives the same sequence; the c. name uses the placement nearest the transcript's 3' end. VCF-style (leftmost placement, unchanged base first): chr9-95508361-T-TGTTGCCGCC. GRCh37 (hg19) VCF-style: chr9-98270643-T-TGTTGCCGCC.
Other names: c.-9_-1dup, p.Met1_Ala2insGlyGlyAsn (NM_001354918.2); c.199-1771_199-1763dup (NM_001083603.3); c.4-1771_4-1763dup (NM_001083602.3, NM_001354919.2).
Identifiers: ClinVar variation 421300 (VCV000421300.1), dbSNP rs1064795042, ClinGen allele CA16618915.

ClinVar aggregate classification (germline): Likely benign (1 of 4 stars; one submission).

Submission:

GeneDx
Classification: Likely benign. Last evaluated: 2016-08-10. Review status: criteria provided, single submitter. Criteria: GeneDx Variant Classification (06012015). Collection method: clinical testing. Allele origin: germline. Affected: yes.
Comment: This variant is considered likely benign or benign based on one or more of the following criteria: it is a conservative change, it occurs at a poorly conserved position in the protein, it is predicted to be benign by multiple in silico algorithms, and/or has population frequency not consistent with disease.